The following is an entry in ClinVar:

NM_001408.3(CELSR2):c.6364C>T (p.Arg2122Trp)

Gene: CELSR2 (cadherin EGF LAG seven-pass G-type receptor 2; plus strand). Cytogenetic location: 1p13.3.
Variant type: single nucleotide variant.
Coding change: c.6364C>T on transcript NM_001408.3 (MANE Select); coding-DNA position 6364, C replaced by T.
Protein change: p.Arg2122Trp; replaces arginine 2122 with tryptophan.
Molecular consequence: missense variant.
Genome position (GRCh38, 1-based): chr1:109,268,626, C>T. VCF-style: chr1-109268626-C-T. GRCh37 (hg19) VCF-style: chr1-109811248-C-T.
Other names: short protein forms R2122W.
Identifiers: ClinVar variation 2198070 (VCV002198070.4), dbSNP rs374375242, ClinGen allele CA987865.

ClinVar aggregate classification (germline): Uncertain significance (1 of 4 stars; one submission).

Allele frequency attached by ClinVar (database versions not stated): ESP Exome Variant Server 0.00008; gnomAD 0.00010; TOPMed 0.00010; ExAC 0.00022.

Submission:

Labcorp Genetics (formerly Invitae), Labcorp
Classification: Uncertain significance. Last evaluated: 2022-07-16. Review status: criteria provided, single submitter. Criteria: Invitae Variant Classification Sherloc (09022015). Collection method: clinical testing. Allele origin: germline.
Comment: This variant has not been reported in the literature in individuals affected with CELSR2-related conditions. In summary, the available evidence is currently insufficient to determine the role of this variant in disease. Therefore, it has been classified as a Variant of Uncertain Significance. Algorithms developed to predict the effect of missense changes on protein structure and function (SIFT, PolyPhen-2, Align-GVGD) all suggest that this variant is likely to be disruptive. This variant is present in population databases (rs374375242, gnomAD 0.03%). This sequence change replaces arginine, which is basic and polar, with tryptophan, which is neutral and slightly polar, at codon 2122 of the CELSR2 protein (p.Arg2122Trp).